The following is an entry in ClinVar:

NM_001376.5(DYNC1H1):c.9072C>T (p.Asp3024=)

Genes: DYNC1H1 (dynein cytoplasmic 1 heavy chain 1; plus strand), LOC126862060 (BRD4-independent group 4 enhancer GRCh37_chr14:102493659-102494858; plus strand). Cytogenetic location: 14q32.31.
Variant type: single nucleotide variant.
Coding change: c.9072C>T on transcript NM_001376.5 (MANE Select); coding-DNA position 9072, C replaced by T.
Protein change: p.Asp3024=; no amino-acid change (aspartic acid 3024 retained).
Molecular consequence: synonymous variant.
Genome position (GRCh38, 1-based): chr14:102,027,642, C>T. VCF-style: chr14-102027642-C-T. GRCh37 (hg19) VCF-style: chr14-102493979-C-T.
Identifiers: ClinVar variation 916968 (VCV000916968.12), dbSNP rs372493817, ClinGen allele CA7353165.

ClinVar aggregate classification (germline): Likely benign. Review status: criteria provided, multiple submitters, no conflicts (2 of 4 stars). 4 submissions from 4 submitters: Likely benign (3). 1 of the submissions does not count toward it. Last evaluated 2025-06-08.

Conditions:
Charcot-Marie-Tooth disease axonal type 2O. Also called: CHARCOT-MARIE-TOOTH NEUROPATHY, AXONAL, TYPE 2O; CHARCOT-MARIE-TOOTH DISEASE, AXONAL, AUTOSOMAL DOMINANT, TYPE 2O; Charcot-Marie-Tooth disease, axonal, type 20; Charcot-Marie-Tooth Neuropathy Type 2O. Identifiers: Orphanet 284232, MedGen C3280220, MONDO:0013644, OMIM 614228.
DYNC1H1-related disorder. Also called: DYNC1H1-related condition; DYNC1H1-related disorders. Identifiers: MedGen CN381529.
Charcot-Marie-Tooth disease. Also called: Charcot-Marie-Tooth Neuropathy; Charcot-Marie-Tooth Hereditary Neuropathy. Identifiers: Orphanet 166, MedGen C0007959, MONDO:0015626.

Allele frequency attached by ClinVar (database versions not stated): ExAC 0.00001; gnomAD exomes 0.00001 and 0.00002; gnomAD 0.00003 and 0.00004; TOPMed 0.00003.
gnomAD v4.1: 23 of 1,613,916 alleles (0.0014%); highest among the groups gnomAD compares: African/African-American, 0.0093%; no homozygotes.

Submissions (4):

Labcorp Genetics (formerly Invitae), Labcorp
Classification: Likely benign for Charcot-Marie-Tooth disease axonal type 2O. Last evaluated: 2025-06-08. Review status: criteria provided, single submitter. Criteria: Invitae Variant Classification Sherloc (09022015). Collection method: clinical testing. Allele origin: germline.

Blueprint Genetics
Classification: Likely benign. Last evaluated: 2023-10-26. Review status: criteria provided, single submitter. Criteria: ACMG Guidelines, 2015. Collection method: clinical testing. Allele origin: germline.

Molecular Genetics Laboratory, London Health Sciences Centre
Classification: Likely benign for Charcot-Marie-Tooth disease. Review status: criteria provided, single submitter. Criteria: ACMG Guidelines, 2015. Collection method: clinical testing. Allele origin: germline. Affected: yes.

PreventionGenetics, part of Exact Sciences
Classification: Likely benign for DYNC1H1-related condition. Last evaluated: 2021-09-17. Review status: no assertion criteria provided. Collection method: clinical testing. Allele origin: germline. Not counted in ClinVar's aggregate classification.
Comment: This variant is classified as likely benign based on ACMG/AMP sequence variant interpretation guidelines (Richards et al. 2015 PMID: 25741868, with internal and published modifications).